The following is an entry in ClinVar:

ClinVar aggregate classification (germline): Likely benign (1 of 4 stars; one submission).

Submission:

CeGaT Center for Human Genetics Tuebingen
Classification: Likely benign. Last evaluated: 2026-08-01. Review status: criteria provided, single submitter. Criteria: CeGaT Center For Human Genetics Tuebingen Variant Classification Criteria Version 2. Collection method: clinical testing. Allele origin: germline. Affected: yes. Observed: 3 variant alleles.
Comment: MYT1L: BP4, BP7

NM_001303052.2(MYT1L):c.483G>A (p.Glu161=)

Gene: MYT1L (myelin transcription factor 1 like; minus strand). Cytogenetic location: 2p25.3.
Variant type: single nucleotide variant.
Coding change: c.483G>A on transcript NM_001303052.2 (MANE Select); coding-DNA position 483, G replaced by A.
Protein change: p.Glu161=; no amino-acid change (glutamic acid 161 retained).
Molecular consequence: synonymous variant.
Genome position (GRCh38, 1-based): chr2:1,943,004, C>T on the plus strand (G>A on the coding strand, the complement: MYT1L is on the minus strand). VCF-style: chr2-1943004-C-T. GRCh37 (hg19) VCF-style: chr2-1946776-C-T.
Other names: c.483G>A, p.Glu161= (NM_001329844.2, NM_001329845.1, NM_001329846.3 and 6 more transcripts).
Identifiers: ClinVar variation 4533476 (VCV004533476.6).
Genomic context (GRCh38, chr2:1,943,004, plus strand): 5'-ATCACGACTTGTTACTTTGCTAATATTTTAAAGATTACCGTTTTCTTCTTCCTCTTCCTC[C>T]TCCTCCTCCTCCTCCTCTTCCTCTTCTTCATCCTCCACATCTTCTCCATCCTCGTCATCG-3'
Protein context (NP_001289981.1, residues 151-171): DEEEEEEEEE[Glu161=]EEEEEENEDH